The following is an entry in ClinVar:

NM_000891.3(KCNJ2):c.1238G>T (p.Ser413Ile)

Gene: KCNJ2 (potassium inwardly rectifying channel subfamily J member 2; plus strand). Cytogenetic location: 17q24.3.
Variant type: single nucleotide variant.
Coding change: c.1238G>T on transcript NM_000891.3 (MANE Select); coding-DNA position 1238, G replaced by T.
Protein change: p.Ser413Ile; replaces serine 413 with isoleucine.
Molecular consequence: missense variant.
Genome position (GRCh38, 1-based): chr17:70,176,277, G>T. VCF-style: chr17-70176277-G-T. GRCh37 (hg19) VCF-style: chr17-68172418-G-T.
Other names: short protein forms S413I.
Identifiers: ClinVar variation 1417942 (VCV001417942.8), dbSNP rs779960704, ClinGen allele CA8738809.

ClinVar aggregate classification (germline): Uncertain significance (1 of 4 stars; one submission).

Conditions:
Andersen Tawil syndrome (LQT7). Also called: LONG QT SYNDROME 7; PERIODIC PARALYSIS, POTASSIUM-SENSITIVE CARDIODYSRHYTHMIC TYPE; Andersen Syndrome; Potassium-sensitive periodic paralysis, ventricular ectopy, and dysmorphic features; ANDERSEN CARDIODYSRHYTHMIC PERIODIC PARALYSIS. Identifiers: Orphanet 37553, MedGen C1563715, MONDO:0008222, OMIM 170390.
Short QT syndrome type 3. Identifiers: Orphanet 51083, MedGen C1865018, MONDO:0012314, OMIM 609622.

Submission:

Labcorp Genetics (formerly Invitae), Labcorp
Classification: Uncertain significance for Short QT syndrome type 3; Andersen Tawil syndrome. Last evaluated: 2025-03-09. Review status: criteria provided, single submitter. Criteria: Invitae Variant Classification Sherloc (09022015). Collection method: clinical testing. Allele origin: germline.
Comment: This sequence change replaces serine, which is neutral and polar, with isoleucine, which is neutral and non-polar, at codon 413 of the KCNJ2 protein (p.Ser413Ile). This variant is present in population databases (rs779960704, gnomAD 0.009%). This variant has not been reported in the literature in individuals affected with KCNJ2-related conditions. ClinVar contains an entry for this variant (Variation ID: 1417942). Invitae Evidence Modeling of protein sequence and biophysical properties (such as structural, functional, and spatial information, amino acid conservation, physicochemical variation, residue mobility, and thermodynamic stability) indicates that this missense variant is not expected to disrupt KCNJ2 protein function with a negative predictive value of 95%. In summary, the available evidence is currently insufficient to determine the role of this variant in disease. Therefore, it has been classified as a Variant of Uncertain Significance.